The following is an entry in ClinVar:

ClinVar aggregate classification (germline): Uncertain significance (1 of 4 stars; one submission).

gnomAD v4.1: 2 of 1,159,481 alleles (0.00017%); highest among the groups gnomAD compares: Non-Finnish European, 0.00023%; 1 homozygote.

Submission:

GeneDx
Classification: Uncertain significance. Last evaluated: 2024-10-13. Review status: criteria provided, single submitter. Criteria: GeneDx Variant Classification Process June 2021. Collection method: clinical testing. Allele origin: germline. Affected: yes.
Comment: Not observed at significant frequency in large population cohorts (gnomAD); In silico analysis supports that this missense variant has a deleterious effect on protein structure/function; Has not been previously published as pathogenic or benign to our knowledge

NM_001081550.2(THOC2):c.845A>T (p.Asp282Val)

Gene: THOC2 (THO complex subunit 2; minus strand). Cytogenetic location: Xq25.
Variant type: single nucleotide variant.
Coding change: c.845A>T on transcript NM_001081550.2 (MANE Select); coding-DNA position 845, A replaced by T.
Protein change: p.Asp282Val; replaces aspartic acid 282 with valine.
Molecular consequence: missense variant.
Genome position (GRCh38, 1-based): chrX:123,671,685, T>A on the plus strand (A>T on the coding strand, the complement: THOC2 is on the minus strand). VCF-style: chrX-123671685-T-A. GRCh37 (hg19) VCF-style: chrX-122805536-T-A.
Other names: short protein forms D282V.
Identifiers: ClinVar variation 3777266 (VCV003777266.1).